The following is an entry in ClinVar:

NM_002382.5(MAX):c.171+4A>G

Genes: MAX (MYC associated transcriptional regulator X; minus strand), MAX-AS1 (MAX antisense RNA 1; plus strand). Cytogenetic location: 14q23.3.
Variant type: single nucleotide variant.
Coding change: c.171+4A>G on transcript NM_002382.5 (MANE Select); 4 bases into the intron after coding-DNA position 171, A replaced by G.
Molecular consequence: intron variant. On other transcripts: non-coding transcript variant (1).
Genome position (GRCh38, 1-based): chr14:65,093,704, T>C on the plus strand (A>G on the coding strand, the complement: MAX is on the minus strand). VCF-style: chr14-65093704-T-C. GRCh37 (hg19) VCF-style: chr14-65560422-T-C.
Other names: c.144+4A>G (NM_001271069.2, NM_145112.3, NM_001271068.2); c.171+4A>G (NM_197957.4, NM_145113.3, NM_145114.3); c.-104+4A>G (NM_001320415.2).
Identifiers: ClinVar variation 949134 (VCV000949134.12), dbSNP rs376941115, ClinGen allele CA7232976.

ClinVar aggregate classification (germline): Conflicting classifications of pathogenicity. Review status: criteria provided, conflicting classifications (1 of 4 stars). 3 submissions from 3 submitters: Uncertain significance (1); Likely benign (2). Last evaluated 2025-12-09.

Conditions:
Hereditary cancer-predisposing syndrome. Also called: Hereditary neoplastic syndrome; Hereditary Cancer Syndrome; Tumor predisposition; Neoplastic Syndromes, Hereditary. Identifiers: Orphanet 140162, MedGen C0027672, MeSH D009386, MONDO:0015356.
Hereditary pheochromocytoma and paraganglioma. Also called: Hereditary pheochromocytoma-paraganglioma; Hereditary Paraganglioma-Pheochromocytoma Syndromes; Hereditary paragangliomas and pheochromocytomas. Identifiers: Orphanet 29072, MedGen C4274332, MONDO:0017366.

Allele frequency attached by ClinVar (database versions not stated): gnomAD exomes 0.00001 and 0.00002; ExAC 0.00002; gnomAD 0.00006 and 0.00007; TOPMed 0.00007; 1000 Genomes Project 30x 0.00016; 1000 Genomes Project 0.00020; ESP Exome Variant Server 0.00023.
gnomAD v4.1: 21 of 1,544,802 alleles (0.0014%); highest among the groups gnomAD compares: African/African-American, 0.02%; no homozygotes.

Submissions (3):

Labcorp Genetics (formerly Invitae), Labcorp
Classification: Likely benign for Hereditary pheochromocytoma and paraganglioma. Last evaluated: 2025-12-09. Review status: criteria provided, single submitter. Criteria: Invitae Variant Classification Sherloc (09022015). Collection method: clinical testing. Allele origin: germline.

Ambry Genetics
Classification: Likely benign for Hereditary cancer-predisposing syndrome. Last evaluated: 2025-11-07. Review status: criteria provided, single submitter. Criteria: Ambry Variant Classification Scheme 2023. Collection method: clinical testing. Allele origin: germline.

Sema4
Classification: Uncertain significance for Hereditary cancer-predisposing syndrome. Last evaluated: 2022-02-15. Review status: criteria provided, single submitter. Criteria: Sema4 Curation Guidelines. Collection method: curation. Allele origin: germline.
Comment: The MAX c.171+4A>G variant has not been reported in the literature to our knowledge. This variant was observed in 5/24960 chromosomes in the African/African American population according to the Genome Aggregation Database (PMID: 32461654), and has been reported in ClinVar (Variation ID: 949134). In silico tools suggest the variant may weaken the canonical donor site of exon 3, though these predictions have not been confirmed by functional studies. The evidence is insufficient to meet ACMG/AMP criteria for classifying the variant as benign or pathogenic. Thus, the clinical significance of this variant is currently uncertain.